The following is an entry in ClinVar:

ClinVar aggregate classification (germline): Benign/Likely benign. Review status: criteria provided, multiple submitters, no conflicts (2 of 4 stars). 26 submissions from 19 submitters: Benign (19); Likely benign (2). 5 of the submissions do not count toward it. Last evaluated 2026-03-27.

Conditions:
Cardiovascular phenotype. Identifiers: MedGen CN230736.
Dilated cardiomyopathy 1G (CMD1G). Identifiers: Orphanet 154, MedGen C1858763, MONDO:0011400, OMIM 604145.
Autosomal recessive limb-girdle muscular dystrophy type 2J (LGMDR10). Also called: MUSCULAR DYSTROPHY, LIMB-GIRDLE, AUTOSOMAL RECESSIVE 10; Limb-girdle muscular dystrophy, type 2J. Identifiers: Orphanet 140922, MedGen C1837342, MONDO:0012127, OMIM 608807.
Early-onset myopathy with fatal cardiomyopathy (CMYO5). Also called: CONGENITAL MYOPATHY 5 WITH CARDIOMYOPATHY; Salih Myopathy. Identifiers: Orphanet 289377, MedGen C2673677, MONDO:0012714, OMIM 611705. Disease mechanism: loss of function.
Myopathy, myofibrillar, 9, with early respiratory failure (MFM9). Also called: Myopathy, distal, with early respiratory failure, autosomal dominant; Hereditary myopathy with early respiratory failure; MYOPATHY, PROXIMAL, WITH EARLY RESPIRATORY MUSCLE INVOLVEMENT; EDSTROM MYOPATHY. Identifiers: Orphanet 178464, Orphanet 34521, MedGen C1863599, MONDO:0011362, OMIM 603689.
Tibial muscular dystrophy (TMD). Also called: Udd Distal Myopathy – Tibial Muscular Dystrophy; Tibial muscular dystrophy, tardive; UDD MYOPATHY. Identifiers: Orphanet 609, MedGen C1838244, MONDO:0010870, OMIM 600334.

Allele frequency attached by ClinVar (database versions not stated): ESP Exome Variant Server 0.01570; gnomAD 0.01979 and 0.02000; 1000 Genomes Project 0.02216; gnomAD exomes 0.02306 and 0.02574; TOPMed 0.01838; 1000 Genomes Project 30x 0.02061; ExAC 0.02591.
gnomAD v4.1: 36,668 of 1,613,266 alleles (2.3%); highest among the groups gnomAD compares: East Asian, 6.2%; 520 homozygotes.

Submissions (26):

Molecular Diagnostic Laboratory for Inherited Cardiovascular Disease, Montreal Heart Institute
Classification: Benign. Last evaluated: 2026-03-27. Review status: criteria provided, single submitter. Criteria: ACMG Guidelines, 2015. Collection method: clinical testing. Allele origin: germline. Affected: no.

Labcorp Genetics (formerly Invitae), Labcorp
Classification: Benign for Dilated cardiomyopathy 1G; Autosomal recessive limb-girdle muscular dystrophy type 2J. Last evaluated: 2026-02-04. Review status: criteria provided, single submitter. Criteria: Invitae Variant Classification Sherloc (09022015). Collection method: clinical testing. Allele origin: germline.

Genome-Nilou Lab
Classification: Benign for Autosomal recessive limb-girdle muscular dystrophy type 2J. Last evaluated: 2021-09-10. Review status: criteria provided, single submitter. Criteria: ACMG Guidelines, 2015. Collection method: clinical testing. Allele origin: germline. Affected: no.

Genome-Nilou Lab
Classification: Benign for Myopathy, myofibrillar, 9, with early respiratory failure. Last evaluated: 2021-09-10. Review status: criteria provided, single submitter. Criteria: ACMG Guidelines, 2015. Collection method: clinical testing. Allele origin: germline. Affected: no.

Genome-Nilou Lab
Classification: Benign for Early-onset myopathy with fatal cardiomyopathy. Last evaluated: 2021-09-10. Review status: criteria provided, single submitter. Criteria: ACMG Guidelines, 2015. Collection method: clinical testing. Allele origin: germline. Affected: no.

Genome-Nilou Lab
Classification: Benign for Tibial muscular dystrophy. Last evaluated: 2021-09-10. Review status: criteria provided, single submitter. Criteria: ACMG Guidelines, 2015. Collection method: clinical testing. Allele origin: germline. Affected: no.

Women's Health and Genetics/Laboratory Corporation of America, LabCorp
Classification: Benign. Last evaluated: 2020-01-11. Review status: criteria provided, single submitter. Criteria: LabCorp Variant Classification Summary - May 2015. Collection method: clinical testing. Allele origin: germline.

Athena Diagnostics
Classification: Benign. Last evaluated: 2019-01-16. Review status: criteria provided, single submitter. Criteria: Athena Diagnostics Criteria. Collection method: clinical testing. Allele origin: germline.

Illumina Laboratory Services, Illumina
Classification: Likely benign for Dilated cardiomyopathy 1G. Last evaluated: 2018-01-13. Review status: criteria provided, single submitter. Criteria: ICSL Variant Classification Criteria 13 December 2019. Collection method: clinical testing. Allele origin: germline.
Comment: This variant was observed in the ICSL laboratory as part of a predisposition screen in an ostensibly healthy population. It had not been previously curated by ICSL or reported in the Human Gene Mutation Database (HGMD: prior to June 1st, 2018), and was therefore a candidate for classification through an automated scoring system. Utilizing variant allele frequency, disease prevalence and penetrance estimates, and inheritance mode, an automated score was calculated to assess if this variant is too frequent to cause the disease. Based on the score and internal cut-off values, a variant classified as likely benign is not then subjected to further curation. The score for this variant resulted in a classification of likely benign for this disease.

Illumina Laboratory Services, Illumina
Classification: Benign for Tibial muscular dystrophy. Last evaluated: 2018-01-13. Review status: criteria provided, single submitter. Criteria: ICSL Variant Classification Criteria 13 December 2019. Collection method: clinical testing. Allele origin: germline.
Comment: This variant was observed in the ICSL laboratory as part of a predisposition screen in an ostensibly healthy population. It had not been previously curated by ICSL or reported in the Human Gene Mutation Database (HGMD: prior to June 1st, 2018), and was therefore a candidate for classification through an automated scoring system. Utilizing variant allele frequency, disease prevalence and penetrance estimates, and inheritance mode, an automated score was calculated to assess if this variant is too frequent to cause the disease. Based on the score and internal cut-off values, a variant classified as benign is not then subjected to further curation. The score for this variant resulted in a classification of benign for this disease.

Illumina Laboratory Services, Illumina
Classification: Benign for Early-onset myopathy with fatal cardiomyopathy. Last evaluated: 2018-01-13. Review status: criteria provided, single submitter. Criteria: ICSL Variant Classification Criteria 13 December 2019. Collection method: clinical testing. Allele origin: germline.
Comment: the same text as in the submission from Illumina Laboratory Services, Illumina above.

Illumina Laboratory Services, Illumina
Classification: Benign for Myopathy, myofibrillar, 9, with early respiratory failure. Last evaluated: 2018-01-13. Review status: criteria provided, single submitter. Criteria: ICSL Variant Classification Criteria 13 December 2019. Collection method: clinical testing. Allele origin: germline.
Comment: the same text as in the submission from Illumina Laboratory Services, Illumina above.

Illumina Laboratory Services, Illumina
Classification: Benign for Autosomal recessive limb-girdle muscular dystrophy type 2J. Last evaluated: 2018-01-13. Review status: criteria provided, single submitter. Criteria: ICSL Variant Classification Criteria 13 December 2019. Collection method: clinical testing. Allele origin: germline.
Comment: the same text as in the submission from Illumina Laboratory Services, Illumina above.

Mayo Clinic Laboratories, Mayo Clinic
Classification: Benign. Last evaluated: 2017-10-03. Review status: criteria provided, single submitter. Criteria: ACMG Guidelines, 2015. Collection method: clinical testing. Allele origin: germline. Observed: 95 variant alleles.

Genetic Services Laboratory, University of Chicago
Classification: Benign for AllHighlyPenetrant. Last evaluated: 2013-08-15. Review status: criteria provided, single submitter. Criteria: ACMG Guidelines, 2007. Collection method: clinical testing. Allele origin: germline.

Eurofins Ntd Llc (ga)
Classification: Benign. Last evaluated: 2013-07-23. Review status: criteria provided, single submitter. Criteria: EGL Classification Definitions 2015. Collection method: clinical testing. Allele origin: germline. Observed: 1 variant allele, 1 heterozygote.

GeneDx
Classification: Benign. Last evaluated: 2013-04-29. Review status: criteria provided, single submitter. Criteria: GeneDx Variant Classification (06012015). Collection method: clinical testing. Allele origin: germline. Affected: yes.
Comment: This variant is considered likely benign or benign based on one or more of the following criteria: it is a conservative change, it occurs at a poorly conserved position in the protein, it is predicted to be benign by multiple in silico algorithms, and/or has population frequency not consistent with disease.

Ambry Genetics
Classification: Benign for Cardiovascular phenotype. Last evaluated: 2013-03-06. Review status: criteria provided, single submitter. Criteria: Ambry Autosomal Dominant and X-Linked criteria (10/2015). Collection method: clinical testing. Allele origin: germline. Observed: 1 variant allele.

Laboratory for Molecular Medicine, Mass General Brigham Personalized Medicine
Classification: Benign. Last evaluated: 2012-04-24. Review status: criteria provided, single submitter. Criteria: LMM Criteria. Collection method: clinical testing. Allele origin: germline. Observed: 61 variant alleles.

Breakthrough Genomics
Classification: Likely benign. Review status: criteria provided, single submitter. Criteria: ACMG Guidelines, 2015. Collection method: not provided. Allele origin: germline. Inheritance: Autosomal recessive inheritance. Affected: yes.

PreventionGenetics, part of Exact Sciences
Classification: Benign. Review status: criteria provided, single submitter. Criteria: ACMG Guidelines, 2015. Collection method: clinical testing. Allele origin: germline.

Clinical Genetics DNA and cytogenetics Diagnostics Lab, Erasmus MC, Erasmus Medical Center
Classification: Benign. Review status: no assertion criteria provided. Collection method: clinical testing. Allele origin: germline. Affected: yes. Study: VKGL Data-share Consensus. Not counted in ClinVar's aggregate classification.

Clinical Genetics, Academic Medical Center
Classification: Benign. Review status: no assertion criteria provided. Collection method: clinical testing. Allele origin: germline. Affected: yes. Study: VKGL Data-share Consensus. Not counted in ClinVar's aggregate classification.

Genome Diagnostics Laboratory, University Medical Center Utrecht
Classification: Benign. Review status: no assertion criteria provided. Collection method: clinical testing. Allele origin: germline. Affected: yes. Study: VKGL Data-share Consensus. Not counted in ClinVar's aggregate classification.

Joint Genome Diagnostic Labs from Nijmegen and Maastricht, Radboudumc and MUMC+
Classification: Benign. Review status: no assertion criteria provided. Collection method: clinical testing. Allele origin: germline. Affected: yes. Study: VKGL Data-share Consensus. Not counted in ClinVar's aggregate classification.

Laboratory of Diagnostic Genome Analysis, Leiden University Medical Center (LUMC)
Classification: Likely benign. Review status: no assertion criteria provided. Collection method: clinical testing. Allele origin: germline. Affected: yes. Study: VKGL Data-share Consensus. Not counted in ClinVar's aggregate classification.

NM_001267550.2(TTN):c.81855C>T (p.Ile27285=)

Genes: TTN-AS1 (TTN antisense RNA 1; plus strand), TTN (titin; minus strand). Cytogenetic location: 2q31.2.
Variant type: single nucleotide variant.
Coding change: c.81855C>T on transcript NM_001267550.2 (MANE Select); coding-DNA position 81855, C replaced by T.
Protein change: p.Ile27285=; no amino-acid change (isoleucine 27285 retained).
Molecular consequence: synonymous variant.
Genome position (GRCh38, 1-based): chr2:178,564,277, G>A on the plus strand (C>T on the coding strand, the complement: TTN is on the minus strand). VCF-style: chr2-178564277-G-A. GRCh37 (hg19) VCF-style: chr2-179429004-G-A.
Other names: p.I24717I:ATC>ATT; p.Ile24717=; c.76932C>T, p.Ile25644= (NM_001256850.1); c.54660C>T, p.Ile18220= (NM_003319.4); c.74151C>T, p.Ile24717= (NM_133378.4); c.55035C>T, p.Ile18345= (NM_133432.3); c.55236C>T, p.Ile18412= (NM_133437.4).
Identifiers: ClinVar variation 47402 (VCV000047402.41), dbSNP rs56214710, ClinGen allele CA283884.